The following is an entry in ClinVar:

ClinVar aggregate classification (germline): Uncertain significance. Review status: criteria provided, multiple submitters, no conflicts (2 of 4 stars). 5 submissions from 5 submitters: Uncertain significance (5). Last evaluated 2025-09-05.

Conditions:
Hereditary cancer-predisposing syndrome. Also called: Hereditary Cancer Syndrome; Neoplastic Syndromes, Hereditary; Hereditary neoplastic syndrome; Tumor predisposition. Identifiers: Orphanet 140162, MedGen C0027672, MeSH D009386, MONDO:0015356.
Hereditary breast ovarian cancer syndrome. Also called: Hereditary breast and ovarian cancer syndrome (HBOC); Hereditary breast and ovarian cancer syndrome; Breast and ovarian cancer; Hereditary breast and/or ovarian cancer syndrome; BRCA1- and BRCA2-Associated Hereditary Breast and Ovarian Cancer; Hereditary breast and ovarian cancer. Identifiers: Orphanet 145, MedGen C0677776, MeSH D061325, MONDO:0003582. Disease mechanism: loss of function.
Breast-ovarian cancer, familial, susceptibility to, 2 (BROVCA2). Also called: BRCA2 Hereditary Breast and Ovarian Cancer. Identifiers: Orphanet 145, MedGen C2675520, MONDO:0012933, OMIM 612555. Disease mechanism: loss of function.

Submissions (5):

Quest Diagnostics Nichols Institute San Juan Capistrano
Classification: Uncertain significance. Last evaluated: 2025-09-05. Review status: criteria provided, single submitter. Criteria: Quest Diagnostics criteria. Collection method: clinical testing. Allele origin: unknown.
Comment: The BRCA2 c.9632C>G (p.Thr3211Arg) variant has not been reported in individuals with BRCA2-related conditions in the published literature. This variant has not been reported in large, multi-ethnic general populations (Genome Aggregation Database). Analysis of this variant using bioinformatics tools for the prediction of the effect of amino acid changes on protein structure and function yielded predictions that this variant is benign. Based on the available information, we are unable to determine the clinical significance of this variant.

Color Diagnostics, LLC DBA Color Health
Classification: Uncertain significance for Hereditary cancer-predisposing syndrome. Last evaluated: 2024-03-06. Review status: criteria provided, single submitter. Criteria: ACMG Guidelines, 2015. Collection method: clinical testing. Allele origin: germline.
Comment: This missense variant replaces threonine with arginine at codon 3211 of the BRCA2 protein. Computational prediction suggests that this variant may not impact protein structure and function (internally defined REVEL score threshold <= 0.5, PMID: 27666373). To our knowledge, functional studies have not been reported for this variant. This variant has not been reported in individuals affected with BRCA2-related disorders in the literature. This variant has not been identified in the general population by the Genome Aggregation Database (gnomAD). The available evidence is insufficient to determine the role of this variant in disease conclusively. Therefore, this variant is classified as a Variant of Uncertain Significance.

Labcorp Genetics (formerly Invitae), Labcorp
Classification: Uncertain significance for Hereditary breast ovarian cancer syndrome. Last evaluated: 2024-02-09. Review status: criteria provided, single submitter. Criteria: Invitae Variant Classification Sherloc (09022015). Collection method: clinical testing. Allele origin: germline.
Comment: This sequence change replaces threonine, which is neutral and polar, with arginine, which is basic and polar, at codon 3211 of the BRCA2 protein (p.Thr3211Arg). This variant is not present in population databases (gnomAD no frequency). This variant has not been reported in the literature in individuals affected with BRCA2-related conditions. ClinVar contains an entry for this variant (Variation ID: 823378). Advanced modeling of protein sequence and biophysical properties (such as structural, functional, and spatial information, amino acid conservation, physicochemical variation, residue mobility, and thermodynamic stability) performed at Invitae indicates that this missense variant is not expected to disrupt BRCA2 protein function with a negative predictive value of 95%. In summary, the available evidence is currently insufficient to determine the role of this variant in disease. Therefore, it has been classified as a Variant of Uncertain Significance.

Ambry Genetics
Classification: Uncertain significance for Hereditary cancer-predisposing syndrome. Last evaluated: 2024-01-24. Review status: criteria provided, single submitter. Criteria: Ambry Variant Classification Scheme 2023. Collection method: clinical testing. Allele origin: germline.
Comment: The p.T3211R variant (also known as c.9632C>G), located in coding exon 25 of the BRCA2 gene, results from a C to G substitution at nucleotide position 9632. The threonine at codon 3211 is replaced by arginine, an amino acid with similar properties. This amino acid position is poorly conserved in available vertebrate species. In addition, this alteration is predicted to be tolerated by in silico analysis. Since supporting evidence is limited at this time, the clinical significance of this alteration remains unclear.

All of Us Research Program, National Institutes of Health
Classification: Uncertain significance for Breast-ovarian cancer, familial, susceptibility to, 2. Last evaluated: 2023-08-23. Review status: criteria provided, single submitter. Criteria: ACMG Guidelines, 2015. Collection method: clinical testing. Allele origin: germline. Inheritance: Autosomal dominant inheritance. Observed: 1 variant allele, 1 heterozygote.
Comment: This missense variant replaces threonine with arginine at codon 3211 of the BRCA2 protein. Computational prediction suggests that this variant may not impact protein structure and function (internally defined REVEL score threshold <= 0.5, PMID: 27666373). To our knowledge, functional studies have not been reported for this variant. This variant has not been reported in individuals affected with BRCA2-related disorders in the literature. This variant has not been identified in the general population by the Genome Aggregation Database (gnomAD). The available evidence is insufficient to determine the role of this variant in disease conclusively. Therefore, this variant is classified as a Variant of Uncertain Significance.

This study involves interpretation of variants in research participants for the purpose of population health screening. Participant phenotype was not available at the time of variant classification. Additional details can be found in publication PMID: 35346344, PMCID: PMC8962531

NM_000059.4(BRCA2):c.9632C>G (p.Thr3211Arg)

Gene: BRCA2 (BRCA2 DNA repair associated; plus strand). Cytogenetic location: 13q13.1.
Variant type: single nucleotide variant.
Coding change: c.9632C>G on transcript NM_000059.4 (MANE Select); coding-DNA position 9632, C replaced by G.
Protein change: p.Thr3211Arg; replaces threonine 3211 with arginine.
Molecular consequence: missense variant.
Genome position (GRCh38, 1-based): chr13:32,397,028, C>G. VCF-style: chr13-32397028-C-G. GRCh37 (hg19) VCF-style: chr13-32971165-C-G.
Other names: short protein forms T3211R.
Identifiers: ClinVar variation 823378 (VCV000823378.16), dbSNP rs730881583, ClinGen allele CA387763763.
Genomic context (GRCh38, chr13:32,397,028, plus strand): 5'-GGTCCACCCCAACTAAAGACTGTACTTCAGGGCCGTACACTGCTCAAATCATTCCTGGTA[C>G]AGGAAACAAGCTTCTGGTAAGTTAATGTAAACTCAAGGAATATTATAAGAAGTATATATG-3'
Protein context (NP_000050.3, residues 3201-3221): GPYTAQIIPG[Thr3211Arg]GNKLLMSSPN